The following is an entry in ClinVar:

NM_024741.3(ZNF408):c.31G>A (p.Gly11Arg)

Genes: ZNF408 (zinc finger protein 408; plus strand), LOC130005659 (ATAC-STARR-seq lymphoblastoid active region 4684; plus strand). Cytogenetic location: 11p11.2.
Variant type: single nucleotide variant.
Coding change: c.31G>A on transcript NM_024741.3 (MANE Select); coding-DNA position 31, G replaced by A.
Protein change: p.Gly11Arg; replaces glycine 11 with arginine.
Molecular consequence: missense variant. On other transcripts: 5 prime UTR variant (1).
Genome position (GRCh38, 1-based): chr11:46,701,078, G>A. VCF-style: chr11-46701078-G-A. GRCh37 (hg19) VCF-style: chr11-46722628-G-A.
Other names: c.-36G>A (NM_001184751.2); short protein forms G11R.
Identifiers: ClinVar variation 2123566 (VCV002123566.5), dbSNP rs1211619198, ClinGen allele CA380251370.

ClinVar aggregate classification (germline): Uncertain significance. Review status: criteria provided, multiple submitters, no conflicts (2 of 4 stars). 2 submissions from 2 submitters: Uncertain significance (2). Last evaluated 2022-06-27.

Allele frequency attached by ClinVar (database versions not stated): gnomAD exomes 0.00001.

Submissions (2):

Labcorp Genetics (formerly Invitae), Labcorp
Classification: Uncertain significance. Last evaluated: 2022-06-27. Review status: criteria provided, single submitter. Criteria: Invitae Variant Classification Sherloc (09022015). Collection method: clinical testing. Allele origin: germline.
Comment: In summary, the available evidence is currently insufficient to determine the role of this variant in disease. Therefore, it has been classified as a Variant of Uncertain Significance. Algorithms developed to predict the effect of missense changes on protein structure and function are either unavailable or do not agree on the potential impact of this missense change (SIFT: "Tolerated"; PolyPhen-2: "Not Available"; Align-GVGD: "Class C0"). This variant has not been reported in the literature in individuals affected with ZNF408-related conditions. This variant is present in population databases (no rsID available, gnomAD no frequency). This sequence change replaces glycine, which is neutral and non-polar, with arginine, which is basic and polar, at codon 11 of the ZNF408 protein (p.Gly11Arg).

Blueprint Genetics
Classification: Uncertain significance. Last evaluated: 2019-02-20. Review status: criteria provided, single submitter. Criteria: ACMG Guidelines, 2015. Collection method: clinical testing. Allele origin: germline.